The following is an entry in ClinVar:

NM_001360.3(DHCR7):c.927C>A (p.Gly309=)

Gene: DHCR7 (7-dehydrocholesterol reductase; minus strand). Cytogenetic location: 11q13.4.
Variant type: single nucleotide variant.
Coding change: c.927C>A on transcript NM_001360.3 (MANE Select); coding-DNA position 927, C replaced by A.
Protein change: p.Gly309=; no amino-acid change (glycine 309 retained).
Molecular consequence: synonymous variant.
Genome position (GRCh38, 1-based): chr11:71,437,848, G>T on the plus strand (C>A on the coding strand, the complement: DHCR7 is on the minus strand). VCF-style: chr11-71437848-G-T. GRCh37 (hg19) VCF-style: chr11-71148894-G-T.
Other names: c.927C>A, p.Gly309= (NM_001163817.2).
Identifiers: ClinVar variation 289153 (VCV000289153.46), dbSNP rs149974099, ClinGen allele CA6162402.

ClinVar aggregate classification (germline): Conflicting classifications of pathogenicity. Review status: criteria provided, conflicting classifications (1 of 4 stars). 9 submissions from 9 submitters: Uncertain significance (2); Likely benign (5). 2 of the submissions do not count toward it. Last evaluated 2026-04-01.

Conditions:
DHCR7-related disorder. Also called: DHCR7-related condition.
Inborn genetic diseases. Identifiers: MedGen C0950123, MeSH D030342.
Smith-Lemli-Opitz syndrome (SLOS). Also called: 7-Dehydrocholesterol reductase deficiency; LETHAL ACRODYSGENITAL SYNDROME; POLYDACTYLY, SEX REVERSAL, RENAL HYPOPLASIA, AND UNILOBAR LUNG; RSH SYNDROME; RUTLEDGE LETHAL MULTIPLE CONGENITAL ANOMALY SYNDROME. Identifiers: Orphanet 818, MedGen C0175694, MONDO:0010035, OMIM 270400.

Allele frequency attached by ClinVar (database versions not stated): 1000 Genomes Project 30x 0.00016; 1000 Genomes Project 0.00020; ESP Exome Variant Server 0.00031; gnomAD 0.00032; TOPMed 0.00053.

Submissions (9):

CeGaT Center for Human Genetics Tuebingen
Classification: Likely benign. Last evaluated: 2026-04-01. Review status: criteria provided, single submitter. Criteria: CeGaT Center For Human Genetics Tuebingen Variant Classification Criteria Version 2. Collection method: clinical testing. Allele origin: germline. Affected: yes. Observed: 2 variant alleles.
Comment: DHCR7: BP4, BP7

Labcorp Genetics (formerly Invitae), Labcorp
Classification: Likely benign for Smith-Lemli-Opitz syndrome. Last evaluated: 2026-01-28. Review status: criteria provided, single submitter. Criteria: Invitae Variant Classification Sherloc (09022015). Collection method: clinical testing. Allele origin: germline.

Blueprint Genetics
Classification: Likely benign. Last evaluated: 2024-03-22. Review status: criteria provided, single submitter. Criteria: ACMG Guidelines, 2015. Collection method: clinical testing. Allele origin: germline.

GeneDx
Classification: Likely benign. Last evaluated: 2019-05-09. Review status: criteria provided, single submitter. Criteria: GeneDx Variant Classification Process June 2021. Collection method: clinical testing. Allele origin: germline. Affected: yes.

Eurofins Ntd Llc (ga)
Classification: Uncertain significance. Last evaluated: 2018-08-23. Review status: criteria provided, single submitter. Criteria: EGL ClinVar v180209 classification definitions. Collection method: clinical testing. Allele origin: germline. Observed: 5 variant alleles, 5 heterozygotes.

Illumina Laboratory Services, Illumina
Classification: Uncertain significance for Smith-Lemli-Opitz syndrome. Last evaluated: 2018-01-13. Review status: criteria provided, single submitter. Criteria: ICSL Variant Classification Criteria 13 December 2019. Collection method: clinical testing. Allele origin: germline.

Ambry Genetics
Classification: Likely benign for Inborn genetic diseases. Last evaluated: 2016-06-09. Review status: criteria provided, single submitter. Criteria: Ambry Variant Classification Scheme 2023. Collection method: clinical testing. Allele origin: germline.

PreventionGenetics, part of Exact Sciences
Classification: Likely benign for DHCR7-related condition. Last evaluated: 2020-10-21. Review status: no assertion criteria provided. Collection method: clinical testing. Allele origin: germline. Not counted in ClinVar's aggregate classification.
Comment: This variant is classified as likely benign based on ACMG/AMP sequence variant interpretation guidelines (Richards et al. 2015 PMID: 25741868, with internal and published modifications).

Natera, Inc.
Classification: Uncertain significance for Smith-Lemli-Opitz syndrome. Last evaluated: 2017-08-10. Review status: no assertion criteria provided. Collection method: clinical testing. Allele origin: germline. Not counted in ClinVar's aggregate classification.